The following is an entry in ClinVar:

NM_201378.4(PLEC):c.71-11616G>A

Gene: PLEC (plectin; minus strand). Cytogenetic location: 8q24.3.
Variant type: single nucleotide variant.
Coding change: c.71-11616G>A on transcript NM_201378.4 (MANE Plus Clinical); 11616 bases into the intron before coding-DNA position 71, G replaced by A.
Molecular consequence: intron variant. On other transcripts: synonymous variant (1).
Genome position (GRCh38, 1-based): chr8:143,950,308, C>T on the plus strand (G>A on the coding strand, the complement: PLEC is on the minus strand). VCF-style: chr8-143950308-C-T. GRCh37 (hg19) VCF-style: chr8-145024476-C-T.
Other names: c.399G>A, p.Pro133= (NM_201380.4); c.194-11616G>A (NM_001410941.1, NM_000445.5); c.46+3418G>A (NM_201379.3).
Identifiers: ClinVar variation 3028931 (VCV003028931.3), dbSNP rs782162357, ClinGen allele CA4928937.

ClinVar aggregate classification (germline): Likely benign. Review status: criteria provided, single submitter (1 of 4 stars). 2 submissions from 2 submitters: Likely benign (1). 1 of the submissions does not count toward it. Last evaluated 2024-08-05.

Conditions:
PLEC-related disorder. Also called: PLEC-related disorders; PLEC-related condition.

Allele frequency attached by ClinVar (database versions not stated): gnomAD 0.00002; ExAC 0.00004.
gnomAD v4.1: 13 of 1,571,858 alleles (0.00083%); highest among the groups gnomAD compares: Middle Eastern, 0.017%; no homozygotes.

Submissions (2):

Blueprint Genetics
Classification: Likely benign. Last evaluated: 2024-08-05. Review status: criteria provided, single submitter. Criteria: ACMG Guidelines, 2015. Collection method: clinical testing. Allele origin: germline.

PreventionGenetics, part of Exact Sciences
Classification: Likely benign for PLEC-related condition. Last evaluated: 2023-06-13. Review status: no assertion criteria provided. Collection method: clinical testing. Allele origin: germline. Not counted in ClinVar's aggregate classification.
Comment: This variant is classified as likely benign based on ACMG/AMP sequence variant interpretation guidelines (Richards et al. 2015 PMID: 25741868, with internal and published modifications).